The following is an entry in ClinVar:

ClinVar aggregate classification (germline): Benign/Likely benign. Review status: criteria provided, multiple submitters, no conflicts (2 of 4 stars). 10 submissions from 10 submitters: Benign (3); Likely benign (6). 1 of the submissions does not count toward it. Last evaluated 2026-09-01.

Conditions:
Neonatal-onset encephalopathy with rigidity and seizures. Also called: Lethal neonatal spasticity-epileptic encephalopathy syndrome. Identifiers: Orphanet 435845, MedGen C3281029, MONDO:0013784, OMIM 614498.
BRAT1-related disorder. Also called: BRAT1-related condition; BRAT1-related disorders.
Neurodevelopmental disorder with cerebellar atrophy and with or without seizures. Identifiers: MedGen C4748032, MONDO:0020841, OMIM 618056.

Allele frequency attached by ClinVar (database versions not stated): 1000 Genomes Project 30x 0.00297; 1000 Genomes Project 0.00339; ESP Exome Variant Server 0.00480; gnomAD exomes 0.00598 and 0.00864; TOPMed 0.00600; gnomAD 0.00645 and 0.00675; ExAC 0.01028.
gnomAD v4.1: 13,167 of 1,571,350 alleles (0.84%); highest among the groups gnomAD compares: Non-Finnish European, 0.96%; 65 homozygotes.

Submissions (10):

CeGaT Center for Human Genetics Tuebingen
Classification: Likely benign. Last evaluated: 2026-09-01. Review status: criteria provided, single submitter. Criteria: CeGaT Center For Human Genetics Tuebingen Variant Classification Criteria Version 2. Collection method: clinical testing. Allele origin: germline. Affected: yes. Observed: 36 variant alleles.
Comment: BRAT1: BP4, BS2

Labcorp Genetics (formerly Invitae), Labcorp
Classification: Benign for Neonatal-onset encephalopathy with rigidity and seizures. Last evaluated: 2026-02-03. Review status: criteria provided, single submitter. Criteria: Invitae Variant Classification Sherloc (09022015). Collection method: clinical testing. Allele origin: germline.

Mayo Clinic Laboratories, Mayo Clinic
Classification: Benign. Last evaluated: 2024-08-14. Review status: criteria provided, single submitter. Criteria: ACMG Guidelines, 2015. Collection method: clinical testing. Allele origin: germline. Observed: 2 variant alleles.
Comment: BA1, BS2, PP3

ARUP Laboratories, Molecular Genetics and Genomics, ARUP Laboratories
Classification: Likely benign. Last evaluated: 2024-04-26. Review status: criteria provided, single submitter. Criteria: ARUP Molecular Germline Variant Investigation Process 2024. Collection method: clinical testing. Allele origin: germline.

Fulgent Genetics
Classification: Likely benign for Neonatal-onset encephalopathy with rigidity and seizures; Neurodevelopmental disorder with cerebellar atrophy and with or without seizures. Last evaluated: 2022-04-01. Review status: criteria provided, single submitter. Criteria: ACMG Guidelines, 2015. Collection method: clinical testing. Allele origin: unknown.

GeneDx
Classification: Benign. Last evaluated: 2020-09-23. Review status: criteria provided, single submitter. Criteria: GeneDx Variant Classification Process June 2021. Collection method: clinical testing. Allele origin: germline. Affected: yes.
Comment: This variant is associated with the following publications: (PMID: 29375859)

Athena Diagnostics
Classification: Likely benign. Last evaluated: 2018-11-14. Review status: criteria provided, single submitter. Criteria: Athena Diagnostics Criteria. Collection method: clinical testing. Allele origin: germline.

Center for Pediatric Genomic Medicine, Children's Mercy Hospital and Clinics
Classification: Likely benign. Last evaluated: 2016-09-12. Review status: criteria provided, single submitter. Criteria: ACMG Guidelines, 2015. Collection method: clinical testing. Allele origin: germline.
ClinVar note: Converted during submission from Likely Benign to Likely benign.

Breakthrough Genomics
Classification: Likely benign. Review status: criteria provided, single submitter. Criteria: ACMG Guidelines, 2015. Collection method: not provided. Allele origin: germline. Inheritance: Autosomal recessive inheritance. Affected: yes.

PreventionGenetics, part of Exact Sciences
Classification: Benign for BRAT1-related condition. Last evaluated: 2023-09-13. Review status: no assertion criteria provided. Collection method: clinical testing. Allele origin: germline. Not counted in ClinVar's aggregate classification.
Comment: This variant is classified as benign based on ACMG/AMP sequence variant interpretation guidelines (Richards et al. 2015 PMID: 25741868, with internal and published modifications).

Literature cited by the submitters: PubMed 29375859 (cited by Mayo Clinic Laboratories, Mayo Clinic and Athena Diagnostics); PubMed 26964041 (cited by Athena Diagnostics).

NM_152743.4(BRAT1):c.962T>G (p.Leu321Arg)

Gene: BRAT1 (BRCA1 associated ATM activator 1; minus strand). Cytogenetic location: 7p22.3.
Variant type: single nucleotide variant.
Coding change: c.962T>G on transcript NM_152743.4 (MANE Select); coding-DNA position 962, T replaced by G.
Protein change: p.Leu321Arg; replaces leucine 321 with arginine.
Molecular consequence: missense variant. On other transcripts: non-coding transcript variant (1).
Genome position (GRCh38, 1-based): chr7:2,542,173, A>C on the plus strand (T>G on the coding strand, the complement: BRAT1 is on the minus strand). VCF-style: chr7-2542173-A-C. GRCh37 (hg19) VCF-style: chr7-2581807-A-C.
Other names: p.Leu321Arg; c.962T>G, p.Leu321Arg (NM_001350626.2); c.437T>G, p.Leu146Arg (NM_001350627.2); short protein forms L321R, L146R.
Identifiers: ClinVar variation 377093 (VCV000377093.61), dbSNP rs150942467, ClinGen allele CA4127987.